The following is an entry in ClinVar:

NM_002661.5(PLCG2):c.3414A>G (p.Glu1138=)

Gene: PLCG2 (phospholipase C gamma 2; plus strand). Cytogenetic location: 16q23.3.
Variant type: single nucleotide variant.
Coding change: c.3414A>G on transcript NM_002661.5 (MANE Select); coding-DNA position 3414, A replaced by G.
Protein change: p.Glu1138=; no amino-acid change (glutamic acid 1138 retained).
Molecular consequence: synonymous variant.
Genome position (GRCh38, 1-based): chr16:81,939,992, A>G. VCF-style: chr16-81939992-A-G. GRCh37 (hg19) VCF-style: chr16-81973597-A-G.
Other names: p.Glu1138=.
Identifiers: ClinVar variation 472901 (VCV000472901.56), dbSNP rs61755443, ClinGen allele CA8194708.
Genomic context (GRCh38, chr16:81,939,992, plus strand): 5'-GAAGGTGACATTTGAAATTTATGACCCAAACCTGGCATTTCTGCGCTTTGTGGTTTATGA[A>G]GAAGATATGTTCAGCGATCCCAACTTTCTTGCTCATGCCACTTACCCCATTAAAGCAGTC-3'
Protein context (NP_002652.2, residues 1128-1148): NLAFLRFVVY[Glu1138=]EDMFSDPNFL

ClinVar aggregate classification (germline): Benign/Likely benign. Review status: criteria provided, multiple submitters, no conflicts (2 of 4 stars). 6 submissions from 6 submitters: Benign (3); Likely benign (3). Last evaluated 2026-07-01.

Conditions:
Familial cold autoinflammatory syndrome 3 (FCAS3). Also called: FAMILIAL ATYPICAL COLD URTICARIA; ANTIBODY DEFICIENCY AND IMMUNE DYSREGULATION, PLCG2-ASSOCIATED. Identifiers: Orphanet 300359, MedGen C3280914, MONDO:0013766, OMIM 614468.

Allele frequency attached by ClinVar (database versions not stated): 1000 Genomes Project 0.00040; 1000 Genomes Project 30x 0.00047; gnomAD exomes 0.00248 and 0.00348; ExAC 0.00253; ESP Exome Variant Server 0.00350; TOPMed 0.00202; gnomAD 0.00246 and 0.00247.
gnomAD v4.1: 5,392 of 1,614,138 alleles (0.33%); highest among the groups gnomAD compares: Non-Finnish European, 0.42%; 14 homozygotes.

Submissions (6):

CeGaT Center for Human Genetics Tuebingen
Classification: Benign. Last evaluated: 2026-07-01. Review status: criteria provided, single submitter. Criteria: CeGaT Center For Human Genetics Tuebingen Variant Classification Criteria Version 2. Collection method: clinical testing. Allele origin: germline. Affected: yes. Observed: 21 variant alleles.
Comment: PLCG2: BP4, BP7, BS1, BS2

Labcorp Genetics (formerly Invitae), Labcorp
Classification: Benign for Familial cold autoinflammatory syndrome 3. Last evaluated: 2026-02-01. Review status: criteria provided, single submitter. Criteria: Invitae Variant Classification Sherloc (09022015). Collection method: clinical testing. Allele origin: germline.

Mayo Clinic Laboratories, Mayo Clinic
Classification: Benign. Last evaluated: 2025-06-10. Review status: criteria provided, single submitter. Criteria: ACMG Guidelines, 2015. Collection method: clinical testing. Allele origin: germline. Observed: 13 variant alleles.
Comment: BS1, BS2, BP4, BP7

ARUP Laboratories, Molecular Genetics and Genomics, ARUP Laboratories
Classification: Likely benign. Last evaluated: 2025-01-02. Review status: criteria provided, single submitter. Criteria: ARUP Molecular Germline Variant Investigation Process 2024. Collection method: clinical testing. Allele origin: germline.

Blueprint Genetics
Classification: Likely benign. Last evaluated: 2024-11-27. Review status: criteria provided, single submitter. Criteria: ACMG Guidelines, 2015. Collection method: clinical testing. Allele origin: germline.

Breakthrough Genomics
Classification: Likely benign. Review status: criteria provided, single submitter. Criteria: ACMG Guidelines, 2015. Collection method: not provided. Allele origin: germline. Inheritance: Autosomal dominant inheritance. Affected: yes.